The following is an entry in ClinVar:

ClinVar aggregate classification (germline): Uncertain significance. Review status: criteria provided, multiple submitters, no conflicts (2 of 4 stars). 2 submissions from 2 submitters: Uncertain significance (2). Last evaluated 2023-01-05.

gnomAD v4.1: 1 of 1,613,568 alleles (0.000062%); highest among the groups gnomAD compares: Non-Finnish European, 0.000085%; no homozygotes.

Submissions (2):

Athena Diagnostics
Classification: Uncertain significance. Last evaluated: 2023-01-05. Review status: criteria provided, single submitter. Criteria: Athena Diagnostics Criteria. Collection method: clinical testing. Allele origin: unknown.
Comment: Available data are insufficient to determine the clinical significance of the variant at this time. The frequency of this variant in the general population is uninformative in assessment of its pathogenicity. Computational tools disagree on the variant's effect on normal protein function.

Labcorp Genetics (formerly Invitae), Labcorp
Classification: Uncertain significance. Last evaluated: 2022-08-03. Review status: criteria provided, single submitter. Criteria: Invitae Variant Classification Sherloc (09022015). Collection method: clinical testing. Allele origin: germline.
Comment: This variant is not present in population databases (gnomAD no frequency). This sequence change replaces glycine, which is neutral and non-polar, with glutamic acid, which is acidic and polar, at codon 280 of the FLVCR1 protein (p.Gly280Glu). This variant has not been reported in the literature in individuals affected with FLVCR1-related conditions. Algorithms developed to predict the effect of missense changes on protein structure and function are either unavailable or do not agree on the potential impact of this missense change (SIFT: "Tolerated"; PolyPhen-2: "Probably Damaging"; Align-GVGD: "Class C0"). In summary, the available evidence is currently insufficient to determine the role of this variant in disease. Therefore, it has been classified as a Variant of Uncertain Significance.

NM_014053.4(FLVCR1):c.839G>A (p.Gly280Glu)

Gene: FLVCR1 (FLVCR choline and heme transporter 1; plus strand). Cytogenetic location: 1q32.3.
Variant type: single nucleotide variant.
Coding change: c.839G>A on transcript NM_014053.4 (MANE Select); coding-DNA position 839, G replaced by A.
Protein change: p.Gly280Glu; replaces glycine 280 with glutamic acid.
Molecular consequence: missense variant.
Genome position (GRCh38, 1-based): chr1:212,863,825, G>A. VCF-style: chr1-212863825-G-A. GRCh37 (hg19) VCF-style: chr1-213037167-G-A.
Other names: c.839G>A (NM_014053.2); short protein forms G280E.
Identifiers: ClinVar variation 1714978 (VCV001714978.6), dbSNP rs752511404, ClinGen allele CA344790131.
Genomic context (GRCh38, chr1:212,863,825, plus strand): 5'-TACCCAACACACAGAATGACACAAATCTCCTGGCTTGTAATATCAGCACCATGTTTTATG[G>A]AACATCAGCTGTTGCCACACTTTTATTTATTTTAACAGCAATTGGTAAGTGAATTACTTT-3'
Protein context (NP_054772.1, residues 270-290): LACNISTMFY[Gly280Glu]TSAVATLLFI